The following is an entry in ClinVar:

ClinVar aggregate classification (germline): Uncertain significance (1 of 4 stars; one submission).

Submission:

Labcorp Genetics (formerly Invitae), Labcorp
Classification: Uncertain significance. Last evaluated: 2025-05-01. Review status: criteria provided, single submitter. Criteria: Invitae Variant Classification Sherloc (09022015). Collection method: clinical testing. Allele origin: germline.
Comment: This sequence change replaces arginine, which is basic and polar, with proline, which is neutral and non-polar, at codon 2505 of the MTOR protein (p.Arg2505Pro). This variant is not present in population databases (gnomAD no frequency). This missense change has been observed in individual(s) with clinical features of MTOR-related conditions (PMID: 28475857). Invitae Evidence Modeling of protein sequence and biophysical properties (such as structural, functional, and spatial information, amino acid conservation, physicochemical variation, residue mobility, and thermodynamic stability) has been performed for this missense variant. However, the output from this modeling did not meet the statistical confidence thresholds required to predict the impact of this variant on MTOR protein function. Experimental studies have shown that this missense change affects MTOR function (PMID: 20190810, 26255626, 26432419, 27482884). In summary, the available evidence is currently insufficient to determine the role of this variant in disease. Therefore, it has been classified as a Variant of Uncertain Significance.

Literature cited by the submitters: PubMed 28475857; PubMed 20190810; PubMed 26255626; PubMed 26432419; PubMed 27482884.

NM_004958.4(MTOR):c.7514G>C (p.Arg2505Pro)

Gene: MTOR (mechanistic target of rapamycin kinase; minus strand). Cytogenetic location: 1p36.22.
Variant type: single nucleotide variant.
Coding change: c.7514G>C on transcript NM_004958.4 (MANE Select); coding-DNA position 7514, G replaced by C.
Protein change: p.Arg2505Pro; replaces arginine 2505 with proline.
Molecular consequence: missense variant.
Genome position (GRCh38, 1-based): chr1:11,109,304, C>G on the plus strand (G>C on the coding strand, the complement: MTOR is on the minus strand). VCF-style: chr1-11109304-C-G. GRCh37 (hg19) VCF-style: chr1-11169361-C-G.
Other names: short protein forms R2505P.
Identifiers: ClinVar variation 4746754 (VCV004746754.1), dbSNP rs1057519777.
Genomic context (GRCh38, chr1:11,109,304, plus strand): 5'-TGCTCAGATTTTATGTCCCTTTTAAGTAAACACATGACACACTCACCAGTGAGCTTATCT[C>G]GAACCCTGTTAATAATCTGGATAGCTTTCTTATTTAGGGCCTCTGGTTTCACCAAACCGT-3'
Protein context (NP_004949.1, residues 2495-2515): KKAIQIINRV[Arg2505Pro]DKLTGRDFSH